The following is an entry in ClinVar:

NM_000245.4(MET):c.*684G>A

Gene: MET (MET proto-oncogene, receptor tyrosine kinase; plus strand). Cytogenetic location: 7q31.2.
Variant type: single nucleotide variant.
Coding change: c.*684G>A on transcript NM_000245.4 (MANE Select); 684 bases downstream of the stop codon, G replaced by A.
Molecular consequence: 3 prime UTR variant.
Genome position (GRCh38, 1-based): chr7:116,796,808, G>A. VCF-style: chr7-116796808-G-A. GRCh37 (hg19) VCF-style: chr7-116436862-G-A.
Other names: NC_000007.13:g.116436862G>A; c.*684G>A (NM_001127500.3, NM_001324402.2, LRG_662t1).
Identifiers: ClinVar variation 358707 (VCV000358707.7), dbSNP rs12540703, ClinGen allele CA10625172.

ClinVar aggregate classification (germline): Benign. Review status: criteria provided, multiple submitters, no conflicts (2 of 4 stars). 2 submissions from 2 submitters: Benign (2). Last evaluated 2018-01-13.

Conditions:
Papillary renal cell carcinoma type 1 (RCCP1). Also called: RENAL CELL CARCINOMA, PAPILLARY, 1, SOMATIC; Renal adenocarcinoma; Renal cell carcinoma 1; Renal cell carcinoma, somatic. Identifiers: Orphanet 47044, MedGen C1336839, OMIM 605074, HP:0011797.

Allele frequency attached by ClinVar (database versions not stated): gnomAD exomes 0.04638; gnomAD 0.05662 and 0.05878; TOPMed 0.05908; 1000 Genomes Project 0.09026; 1000 Genomes Project 30x 0.09041.
gnomAD v4.1: 10,287 of 182,214 alleles (5.6%); highest among the groups gnomAD compares: South Asian, 11%; 386 homozygotes.

Submissions (14):

Illumina Laboratory Services, Illumina
Classification: Benign for Papillary renal cell carcinoma type 1. Last evaluated: 2018-01-13. Review status: criteria provided, single submitter. Criteria: ICSL Variant Classification Criteria 13 December 2019. Collection method: clinical testing. Allele origin: germline.
Comment: This variant was observed in the ICSL laboratory as part of a predisposition screen in an ostensibly healthy population. It had not been previously curated by ICSL or reported in the Human Gene Mutation Database (HGMD: prior to June 1st, 2018), and was therefore a candidate for classification through an automated scoring system. Utilizing variant allele frequency, disease prevalence and penetrance estimates, and inheritance mode, an automated score was calculated to assess if this variant is too frequent to cause the disease. Based on the score and internal cut-off values, a variant classified as benign is not then subjected to further curation. The score for this variant resulted in a classification of benign for this disease.

Breakthrough Genomics
Classification: Benign. Review status: criteria provided, single submitter. Criteria: ACMG Guidelines, 2015. Collection method: not provided. Allele origin: germline. Inheritance: Autosomal recessive inheritance. Affected: yes.

Dr. Peter K. Rogan Lab, Western University
No classification provided (evidence only). Condition: Uterine corpus endometrial carcinoma. Review status: no classification provided. Collection method: in vitro. Allele origin: not applicable. Functional consequence: retained intron. Not counted in ClinVar's aggregate classification.

Dr. Peter K. Rogan Lab, Western University
No classification provided (evidence only). Condition: Uterine corpus endometrial carcinoma. Review status: no classification provided. Collection method: in vitro. Allele origin: not applicable. Functional consequence: retained intron. Not counted in ClinVar's aggregate classification.

Dr. Peter K. Rogan Lab, Western University
No classification provided (evidence only). Condition: Uterine corpus endometrial carcinoma. Review status: no classification provided. Collection method: in vitro. Allele origin: not applicable. Functional consequence: retained intron. Not counted in ClinVar's aggregate classification.

Dr. Peter K. Rogan Lab, Western University
No classification provided (evidence only). Condition: Uterine corpus endometrial carcinoma. Review status: no classification provided. Collection method: in vitro. Allele origin: not applicable. Functional consequence: retained intron. Not counted in ClinVar's aggregate classification.

Dr. Peter K. Rogan Lab, Western University
No classification provided (evidence only). Condition: Sarcoma. Review status: no classification provided. Collection method: in vitro. Allele origin: not applicable. Functional consequence: retained intron. Not counted in ClinVar's aggregate classification.

Dr. Peter K. Rogan Lab, Western University
No classification provided (evidence only). Condition: Thymoma. Review status: no classification provided. Collection method: in vitro. Allele origin: not applicable. Functional consequence: retained intron. Not counted in ClinVar's aggregate classification.

Dr. Peter K. Rogan Lab, Western University
No classification provided (evidence only). Condition: Thymoma. Review status: no classification provided. Collection method: in vitro. Allele origin: not applicable. Functional consequence: retained intron. Not counted in ClinVar's aggregate classification.

Dr. Peter K. Rogan Lab, Western University
No classification provided (evidence only). Condition: Thymoma. Review status: no classification provided. Collection method: in vitro. Allele origin: not applicable. Functional consequence: retained intron. Not counted in ClinVar's aggregate classification.

Dr. Peter K. Rogan Lab, Western University
No classification provided (evidence only). Condition: Cholangiocarcinoma. Review status: no classification provided. Collection method: in vitro. Allele origin: not applicable. Functional consequence: retained intron. Not counted in ClinVar's aggregate classification.

Dr. Peter K. Rogan Lab, Western University
No classification provided (evidence only). Condition: Cholangiocarcinoma. Review status: no classification provided. Collection method: in vitro. Allele origin: not applicable. Functional consequence: retained intron. Not counted in ClinVar's aggregate classification.

Dr. Peter K. Rogan Lab, Western University
No classification provided (evidence only). Condition: Malignant tumor of esophagus. Review status: no classification provided. Collection method: in vitro. Allele origin: not applicable. Functional consequence: retained intron. Not counted in ClinVar's aggregate classification.

Dr. Peter K. Rogan Lab, Western University
No classification provided (evidence only). Condition: Malignant tumor of esophagus. Review status: no classification provided. Collection method: in vitro. Allele origin: not applicable. Functional consequence: retained intron. Not counted in ClinVar's aggregate classification.